The following is an entry in ClinVar:

ClinVar aggregate classification (germline): Likely benign. Review status: criteria provided, multiple submitters, no conflicts (2 of 4 stars). 2 submissions from 2 submitters: Likely benign (2). Last evaluated 2025-08-09.

Conditions:
BEST1-related disorder. Also called: BEST1-related condition; BEST1-related disorders. Identifiers: MedGen CN239200.

Allele frequency attached by ClinVar (database versions not stated): gnomAD exomes below 0.00001; TOPMed below 0.00001.
gnomAD v4.1: 6 of 1,614,184 alleles (0.00037%); highest among the groups gnomAD compares: Non-Finnish European, 0.00051%; no homozygotes.

Submissions (2):

PreventionGenetics, part of Exact Sciences
Classification: Likely benign for BEST1-related condition. Last evaluated: 2025-08-09. Review status: criteria provided, single submitter. Criteria: ACMG Guidelines, 2015. Collection method: clinical testing. Allele origin: germline.
Comment: This variant is classified as likely benign based on ACMG/AMP sequence variant interpretation guidelines (Richards et al. 2015 PMID: 25741868, with internal and published modifications).

Labcorp Genetics (formerly Invitae), Labcorp
Classification: Likely benign. Last evaluated: 2021-07-28. Review status: criteria provided, single submitter. Criteria: Invitae Variant Classification Sherloc (09022015). Collection method: clinical testing. Allele origin: germline.

NM_004183.4(BEST1):c.1374G>A (p.Leu458=)

Gene: BEST1 (bestrophin 1; plus strand). Cytogenetic location: 11q12.3.
Variant type: single nucleotide variant.
Coding change: c.1374G>A on transcript NM_004183.4 (MANE Select); coding-DNA position 1374, G replaced by A.
Protein change: p.Leu458=; no amino-acid change (leucine 458 retained).
Molecular consequence: synonymous variant. On other transcripts: non-coding transcript variant (1).
Genome position (GRCh38, 1-based): chr11:61,962,528, G>A. VCF-style: chr11-61962528-G-A. GRCh37 (hg19) VCF-style: chr11-61730000-G-A.
Other names: c.1194G>A, p.Leu398= (NM_001139443.3, NM_001300787.2); c.1113G>A, p.Leu371= (NM_001300786.2); c.1056G>A, p.Leu352= (NM_001363591.3); c.*269G>A (NM_001363592.2); c.402G>A, p.Leu134= (NM_001363593.3); c.1374G>A (NM_004183.3).
Identifiers: ClinVar variation 1538266 (VCV001538266.9), dbSNP rs980929355, ClinGen allele CA222941996.